The following is an entry in ClinVar:

NM_006904.7(PRKDC):c.11853+6C>G

Gene: PRKDC (protein kinase, DNA-activated, catalytic subunit; minus strand). Cytogenetic location: 8q11.21.
Variant type: single nucleotide variant.
Coding change: c.11853+6C>G on transcript NM_006904.7 (MANE Select); 6 bases into the intron after coding-DNA position 11853, C replaced by G.
Molecular consequence: intron variant.
Genome position (GRCh38, 1-based): chr8:47,778,453, G>C on the plus strand (C>G on the coding strand, the complement: PRKDC is on the minus strand). VCF-style: chr8-47778453-G-C. GRCh37 (hg19) VCF-style: chr8-48691014-G-C.
Other names: c.11760+6C>G (NM_001081640.2).
Identifiers: ClinVar variation 1062843 (VCV001062843.2), dbSNP rs1444230911, ClinGen allele CA460601531.

ClinVar aggregate classification (germline): Uncertain significance (1 of 4 stars; one submission).

Conditions:
Severe combined immunodeficiency due to DNA-PKcs deficiency. Also called: IMMUNODEFICIENCY 26 WITH NEUROLOGIC ABNORMALITIES; Immunodeficiency 26 with or without neurologic abnormalities. Identifiers: Orphanet 317425, MedGen C4014833, MONDO:0014423, OMIM 615966.

Allele frequency attached by ClinVar (database versions not stated): TOPMed below 0.00001; gnomAD 0.00001.
gnomAD v4.1: 1 of 1,610,832 alleles (0.000062%); highest among the groups gnomAD compares: Admixed American, 0.0017%; no homozygotes.

Submission:

Labcorp Genetics (formerly Invitae), Labcorp
Classification: Uncertain significance for Severe combined immunodeficiency due to DNA-PKcs deficiency. Last evaluated: 2018-08-30. Review status: criteria provided, single submitter. Criteria: Invitae Variant Classification Sherloc (09022015). Collection method: clinical testing. Allele origin: germline.
Comment: This sequence change falls in intron 83 of the PRKDC gene. It does not directly change the encoded amino acid sequence of the PRKDC protein. This variant is not present in population databases (ExAC no frequency). This variant has not been reported in the literature in individuals with PRKDC-related disease. Algorithms developed to predict the effect of sequence changes on RNA splicing suggest that this variant is not likely to affect RNA splicing, but this prediction has not been confirmed by published transcriptional studies. In summary, the available evidence is currently insufficient to determine the role of this variant in disease. Therefore, it has been classified as a Variant of Uncertain Significance.